The following is an entry in ClinVar:

NM_000257.4(MYH7):c.412G>A (p.Val138Met)

Gene: MYH7 (myosin heavy chain 7; minus strand). Cytogenetic location: 14q11.2.
Variant type: single nucleotide variant.
Coding change: c.412G>A on transcript NM_000257.4 (MANE Select); coding-DNA position 412, G replaced by A.
Protein change: p.Val138Met; replaces valine 138 with methionine.
Molecular consequence: missense variant.
Genome position (GRCh38, 1-based): chr14:23,432,729, C>T on the plus strand (G>A on the coding strand, the complement: MYH7 is on the minus strand). VCF-style: chr14-23432729-C-T. GRCh37 (hg19) VCF-style: chr14-23901938-C-T.
Other names: c.412G>A (LRG_384t1); short protein forms V138M.
Identifiers: ClinVar variation 449244 (VCV000449244.11), dbSNP rs1173171288, ClinGen allele CA389052870.

ClinVar aggregate classification (germline): Uncertain significance. Review status: criteria provided, multiple submitters, no conflicts (2 of 4 stars). 2 submissions from 2 submitters: Uncertain significance (2). Last evaluated 2019-11-26.

Conditions:
Hypertrophic cardiomyopathy. Also called: HYPERTROPHIC MYOCARDIOPATHY. Identifiers: Orphanet 217569, MedGen C0007194, MeSH D002312, MONDO:0005045, HP:0001639.

Allele frequency attached by ClinVar (database versions not stated): TOPMed 0.00001.

Submissions (2):

Labcorp Genetics (formerly Invitae), Labcorp
Classification: Uncertain significance for Hypertrophic cardiomyopathy. Last evaluated: 2019-11-26. Review status: criteria provided, single submitter. Criteria: Invitae Variant Classification Sherloc (09022015). Collection method: clinical testing. Allele origin: germline.
Comment: This variant is not present in population databases (ExAC no frequency). This variant has not been reported in the literature in individuals with MYH7-related conditions. ClinVar contains an entry for this variant (Variation ID: 449244). Algorithms developed to predict the effect of missense changes on protein structure and function are either unavailable or do not agree on the potential impact of this missense change (SIFT: "Deleterious"; PolyPhen-2: "Probably Damaging"; Align-GVGD: "Class C0"). In summary, the available evidence is currently insufficient to determine the role of this variant in disease. Therefore, it has been classified as a Variant of Uncertain Significance. This sequence change replaces valine with methionine at codon 138 of the MYH7 protein (p.Val138Met). The valine residue is highly conserved and there is a small physicochemical difference between valine and methionine.

GeneDx
Classification: Uncertain significance. Last evaluated: 2017-09-15. Review status: criteria provided, single submitter. Criteria: GeneDx Variant Classification (06012015). Collection method: clinical testing. Allele origin: germline. Affected: yes.
Comment: The V138M variant of uncertain significance in the MYH7 gene has not been published as pathogenic or been reported as benign to our knowledge. V138M is not observed in large population cohorts (Lek et al., 2016; 1000 Genomes Consortium et al., 2015; Exome Variant Server). Although the V138M variant is a conservative amino acid substitution, which is not likely to impact secondary protein structure as these residues share similar properties, it occurs at a position that is conserved across species, and in silico analysis predicts this variant is probably damaging to the protein structure/function. Multiple missense variants in nearby residues (T135I, V139L, Y142H, R143W, R143G, R143Q) have been reported in the Human Gene Mutation Database in association with cardiomyopathy (Stenson et al., 2014), yet the pathogenicity of each of these variants has not been definitively determined.